The following is an entry in ClinVar:

NM_001271938.2(MEGF8):c.2855+5G>A

Gene: MEGF8 (multiple EGF like domains 8; plus strand). Cytogenetic location: 19q13.2.
Variant type: single nucleotide variant.
Coding change: c.2855+5G>A on transcript NM_001271938.2 (MANE Select); 5 bases into the intron after coding-DNA position 2855, G replaced by A.
Molecular consequence: intron variant.
Genome position (GRCh38, 1-based): chr19:42,351,339, G>A. VCF-style: chr19-42351339-G-A. GRCh37 (hg19) VCF-style: chr19-42855491-G-A.
Other names: c.2654+5G>A (NM_001410.3).
Identifiers: ClinVar variation 3363301 (VCV003363301.1).

ClinVar aggregate classification (germline): Uncertain significance (1 of 4 stars; one submission).

gnomAD v4.1: 3 of 1,567,510 alleles (0.00019%); highest among the groups gnomAD compares: Admixed American, 0.0019%; no homozygotes.

Submission:

GeneDx
Classification: Uncertain significance. Last evaluated: 2023-10-25. Review status: criteria provided, single submitter. Criteria: GeneDx Variant Classification Process June 2021. Collection method: clinical testing. Allele origin: germline. Affected: yes.
Comment: In silico analysis supports a deleterious effect on splicing; Has not been previously published as pathogenic or benign to our knowledge